The following is an entry in ClinVar:

NM_000203.5(IDUA):c.356A>C (p.Asp119Ala)

Gene: IDUA (alpha-L-iduronidase; plus strand). Cytogenetic location: 4p16.3.
Variant type: single nucleotide variant.
Coding change: c.356A>C on transcript NM_000203.5 (MANE Select); coding-DNA position 356, A replaced by C.
Protein change: p.Asp119Ala; replaces aspartic acid 119 with alanine.
Molecular consequence: missense variant. On other transcripts: 5 prime UTR variant (1), non-coding transcript variant (1).
Genome position (GRCh38, 1-based): chr4:1,000,668, A>C. VCF-style: chr4-1000668-A-C. GRCh37 (hg19) VCF-style: chr4-994456-A-C.
Other names: c.-41A>C (NM_001363576.1); c.356A>C (NM_000203.3); short protein forms D119A.
Identifiers: ClinVar variation 2196483 (VCV002196483.4), dbSNP rs537047205, ClinGen allele CA2801883.
Genomic context (GRCh38, chr4:1,000,668, plus strand): 5'-GCAGGGGGTCCACTGGACGGGGCCTGAGCTACAACTTCACCCACCTGGACGGGTACCTGG[A>C]CCTTCTCAGGGAGAACCAGCTCCTCCCAGGTGAGCTGTGGGCTCTGCCCTCCCAGCCCGC-3'
Protein context (NP_000194.2, residues 109-129): YNFTHLDGYL[Asp119Ala]LLRENQLLPG

ClinVar aggregate classification (germline): Uncertain significance. Review status: criteria provided, multiple submitters, no conflicts (2 of 4 stars). 2 submissions from 2 submitters: Uncertain significance (2). Last evaluated 2022-10-17.

Conditions:
Mucopolysaccharidosis type 1. Also called: IDUA deficiency; MPS I. Identifiers: Orphanet 579, MedGen C0023786, MONDO:0001586.

Allele frequency attached by ClinVar (database versions not stated): gnomAD 0.00002; TOPMed 0.00002; gnomAD exomes 0.00003; ExAC 0.00002.
gnomAD v4.1: 50 of 1,612,334 alleles (0.0031%); highest among the groups gnomAD compares: Non-Finnish European, 0.0039%; no homozygotes.

Submissions (2):

Labcorp Genetics (formerly Invitae), Labcorp
Classification: Uncertain significance for Mucopolysaccharidosis type 1. Last evaluated: 2022-10-17. Review status: criteria provided, single submitter. Criteria: Invitae Variant Classification Sherloc (09022015). Collection method: clinical testing. Allele origin: germline.
Comment: This sequence change replaces aspartic acid, which is acidic and polar, with alanine, which is neutral and non-polar, at codon 119 of the IDUA protein (p.Asp119Ala). This variant is present in population databases (rs537047205, gnomAD 0.009%). This variant has not been reported in the literature in individuals affected with IDUA-related conditions. Advanced modeling of protein sequence and biophysical properties (such as structural, functional, and spatial information, amino acid conservation, physicochemical variation, residue mobility, and thermodynamic stability) has been performed at Invitae for this missense variant, however the output from this modeling did not meet the statistical confidence thresholds required to predict the impact of this variant on IDUA protein function. In summary, the available evidence is currently insufficient to determine the role of this variant in disease. Therefore, it has been classified as a Variant of Uncertain Significance.

Revvity Omics, Revvity
Classification: Uncertain significance. Last evaluated: 2020-09-28. Review status: criteria provided, single submitter. Criteria: ACMG Guidelines, 2015. Collection method: clinical testing. Allele origin: germline.